The following is an entry in ClinVar:

NM_000051.4(ATM):c.7450G>A (p.Val2484Ile)

Genes: C11orf65 (chromosome 11 open reading frame 65; minus strand), ATM (ATM serine/threonine kinase; plus strand). Cytogenetic location: 11q22.3.
Variant type: single nucleotide variant.
Coding change: c.7450G>A on transcript NM_000051.4 (MANE Select); coding-DNA position 7450, G replaced by A.
Protein change: p.Val2484Ile; replaces valine 2484 with isoleucine.
Molecular consequence: missense variant. On other transcripts: intron variant (2).
Genome position (GRCh38, 1-based): chr11:108,330,356, G>A. VCF-style: chr11-108330356-G-A. GRCh37 (hg19) VCF-style: chr11-108201083-G-A.
Other names: p.V2484I:GTA>ATA; c.641-21285C>T (NM_001330368.2); c.*38+4864C>T (NM_001351110.2); c.7450G>A, p.Val2484Ile (NM_001351834.2); short protein forms V2484I.
Identifiers: ClinVar variation 127444 (VCV000127444.10), dbSNP rs587779864, ClinGen allele CA286984.
Genomic context (GRCh38, chr11:108,330,356, plus strand): 5'-TGTAAAGCAGTTGAAAATTATATCAACTGCTTATTAAGTGGAGAAGAACATGATATGTGG[G>A]TATTCCGACTTTGTTCCCTCTGGCTTGAAAATTCTGGAGTTTCTGAAGTCAATGGCATGA-3'
Protein context (NP_000042.3, residues 2474-2494): LLSGEEHDMW[Val2484Ile]FRLCSLWLEN

ClinVar aggregate classification (germline): Conflicting classifications of pathogenicity. Review status: criteria provided, conflicting classifications (1 of 4 stars). 3 submissions from 3 submitters: Uncertain significance (2); Likely benign (1). Last evaluated 2021-08-31.

Conditions:
Hereditary cancer-predisposing syndrome. Also called: Neoplastic Syndromes, Hereditary; Hereditary Cancer Syndrome; Tumor predisposition; Hereditary neoplastic syndrome. Identifiers: Orphanet 140162, MedGen C0027672, MeSH D009386, MONDO:0015356.
Ataxia-telangiectasia syndrome (AT). Also called: Ataxia-telangiectasia, complementation group D; AT, COMPLEMENTATION GROUP C; Ataxia-telangiectasia; ATAXIA-TELANGIECTASIA, COMPLEMENTATION GROUP A; ATAXIA-TELANGIECTASIA, FRESNO VARIANT; Ataxia-telangiectasia, complementation group E. Identifiers: Orphanet 100, MedGen C0004135, MONDO:0008840, OMIM 208900.

Allele frequency attached by ClinVar (database versions not stated): gnomAD exomes below 0.00001; TOPMed below 0.00001; ExAC 0.00001.
gnomAD v4.1: 9 of 1,614,164 alleles (0.00056%); highest among the groups gnomAD compares: Non-Finnish European, 0.00076%; no homozygotes.

Submissions (3):

Labcorp Genetics (formerly Invitae), Labcorp
Classification: Uncertain significance for Ataxia-telangiectasia syndrome. Last evaluated: 2021-08-31. Review status: criteria provided, single submitter. Criteria: Invitae Variant Classification Sherloc (09022015). Collection method: clinical testing. Allele origin: germline.
Comment: This sequence change replaces valine with isoleucine at codon 2484 of the ATM protein (p.Val2484Ile). The valine residue is moderately conserved and there is a small physicochemical difference between valine and isoleucine. This variant is present in population databases (rs587779864, ExAC 0.001%). This variant has not been reported in the literature in individuals affected with ATM-related conditions. ClinVar contains an entry for this variant (Variation ID: 127444). Advanced modeling of protein sequence and biophysical properties (such as structural, functional, and spatial information, amino acid conservation, physicochemical variation, residue mobility, and thermodynamic stability) performed at Invitae indicates that this missense variant is not expected to disrupt ATM protein function. In summary, the available evidence is currently insufficient to determine the role of this variant in disease. Therefore, it has been classified as a Variant of Uncertain Significance.

Ambry Genetics
Classification: Likely benign for Hereditary cancer-predisposing syndrome. Last evaluated: 2016-04-08. Review status: criteria provided, single submitter. Criteria: Ambry Variant Classification Scheme 2023. Collection method: clinical testing. Allele origin: germline.

GeneDx
Classification: Uncertain significance. Last evaluated: 2014-03-18. Review status: criteria provided, single submitter. Criteria: GeneDx Variant Classification (06012015). Collection method: clinical testing. Allele origin: germline. Affected: yes.
Comment: This variant is denoted ATM c.7450G>A at the cDNA level, p.Val2484Ile (V2484I) at the protein level, and results in the change of a Valine to an Isoleucine (GTA>ATA). This variant has not, to our knowledge, been published in the literature as pathogenic or benign. ATM Val2484Ile was not observed in approximately 6,500 individuals of European and African American ancestry in the NHLBI Exome Sequencing Project, indicating it is not a common benign variant in these populations. Since Valine and Isoleucine share similar properties, this is considered a conservative amino acid substitution and is unlikely to affect protein integrity. ATM Val2484Ile occurs at a position that is moderately conserved across species and is located in the FAT domain (UniProt). In silico analyses predict that this variant is unlikely to alter protein structure or function. Based on currently available information, it is unclear whether ATM Val2484Ile is pathogenic or benign. We consider it to be a variant of uncertain significance.